The following is an entry in ClinVar:

NM_004260.4(RECQL4):c.1460G>A (p.Arg487His)

Gene: RECQL4 (RecQ like helicase 4; minus strand). Cytogenetic location: 8q24.3.
Variant type: single nucleotide variant.
Coding change: c.1460G>A on transcript NM_004260.4 (MANE Select); coding-DNA position 1460, G replaced by A.
Protein change: p.Arg487His; replaces arginine 487 with histidine.
Molecular consequence: missense variant.
Genome position (GRCh38, 1-based): chr8:144,515,173, C>T on the plus strand (G>A on the coding strand, the complement: RECQL4 is on the minus strand). VCF-style: chr8-144515173-C-T. GRCh37 (hg19) VCF-style: chr8-145740557-C-T.
Other names: p.Arg487His; short protein forms R487H.
Identifiers: ClinVar variation 407015 (VCV000407015.12), dbSNP rs775200679, ClinGen allele CA4948852.

ClinVar aggregate classification (germline): Uncertain significance. Review status: criteria provided, multiple submitters, no conflicts (2 of 4 stars). 4 submissions from 4 submitters: Uncertain significance (4). Last evaluated 2026-01-06.

Conditions:
Inborn genetic diseases. Identifiers: MedGen C0950123, MeSH D030342.
Baller-Gerold syndrome (BGS). Also called: CRANIOSYNOSTOSIS WITH RADIAL DEFECTS. Identifiers: Orphanet 1225, MedGen C0265308, MONDO:0009039, OMIM 218600.
Rothmund-Thomson syndrome (RTS). Also called: Poikiloderma Congenitale; Poikiloderma of Rothmund-Thomson. Identifiers: Orphanet 2909, MedGen C0032339, MONDO:0010002.
Rapadilino syndrome. Identifiers: Orphanet 3021, MedGen C1849453, MONDO:0009955, OMIM 266280.

Allele frequency attached by ClinVar (database versions not stated): gnomAD 0.00002 and 0.00003; TOPMed 0.00002; ExAC 0.00004; gnomAD exomes 0.00006.
gnomAD v4.1: 93 of 1,565,174 alleles (0.0059%); highest among the groups gnomAD compares: Non-Finnish European, 0.0075%; no homozygotes.

Submissions (4):

Labcorp Genetics (formerly Invitae), Labcorp
Classification: Uncertain significance for Baller-Gerold syndrome. Last evaluated: 2026-01-06. Review status: criteria provided, single submitter. Criteria: Invitae Variant Classification Sherloc (09022015). Collection method: clinical testing. Allele origin: germline.
Comment: This sequence change replaces arginine, which is basic and polar, with histidine, which is basic and polar, at codon 487 of the RECQL4 protein (p.Arg487His). This variant is present in population databases (rs775200679, gnomAD 0.009%). This variant has not been reported in the literature in individuals affected with RECQL4-related conditions. ClinVar contains an entry for this variant (Variation ID: 407015). Invitae Evidence Modeling of protein sequence and biophysical properties (such as structural, functional, and spatial information, amino acid conservation, physicochemical variation, residue mobility, and thermodynamic stability) indicates that this missense variant is not expected to disrupt RECQL4 protein function with a negative predictive value of 80%. In summary, the available evidence is currently insufficient to determine the role of this variant in disease. Therefore, it has been classified as a Variant of Uncertain Significance.

Mayo Clinic Laboratories, Mayo Clinic
Classification: Uncertain significance. Last evaluated: 2025-01-15. Review status: criteria provided, single submitter. Criteria: ACMG Guidelines, 2015. Collection method: clinical testing. Allele origin: germline. Observed: 1 variant allele.
Comment: BP4

Ambry Genetics
Classification: Uncertain significance for Inborn genetic diseases. Last evaluated: 2024-11-23. Review status: criteria provided, single submitter. Criteria: Ambry Variant Classification Scheme 2023. Collection method: clinical testing. Allele origin: germline.
Comment: The p.R487H variant (also known as c.1460G>A), located in coding exon 8 of the RECQL4 gene, results from a G to A substitution at nucleotide position 1460. The arginine at codon 487 is replaced by histidine, an amino acid with highly similar properties. This amino acid position is conserved. In addition, this alteration is predicted to be tolerated by in silico analysis. Based on the available evidence, the clinical significance of this variant remains unclear.

Fulgent Genetics
Classification: Uncertain significance for Baller-Gerold syndrome; Rapadilino syndrome; Rothmund-Thomson syndrome type 2. Last evaluated: 2018-10-31. Review status: criteria provided, single submitter. Criteria: ACMG Guidelines, 2015. Collection method: clinical testing. Allele origin: unknown.